The following is an entry in ClinVar:

ClinVar aggregate classification (germline): Uncertain significance. Review status: criteria provided, multiple submitters, no conflicts (2 of 4 stars). 2 submissions from 2 submitters: Uncertain significance (2). Last evaluated 2024-01-25.

Conditions:
Hypertrophic cardiomyopathy. Also called: HYPERTROPHIC MYOCARDIOPATHY. Identifiers: Orphanet 217569, MedGen C0007194, MeSH D002312, MONDO:0005045, HP:0001639.

Submissions (2):

GeneDx
Classification: Uncertain significance. Last evaluated: 2024-01-25. Review status: criteria provided, single submitter. Criteria: GeneDx Variant Classification Process June 2021. Collection method: clinical testing. Allele origin: germline. Affected: yes.
Comment: Not observed at significant frequency in large population cohorts (gnomAD); In-frame deletion of 1 amino acid in a non-repeat region; In silico analysis supports a deleterious effect on protein structure/function; Has not been previously published as pathogenic or benign to our knowledge

Labcorp Genetics (formerly Invitae), Labcorp
Classification: Uncertain significance for Hypertrophic cardiomyopathy. Last evaluated: 2024-01-09. Review status: criteria provided, single submitter. Criteria: Invitae Variant Classification Sherloc (09022015). Collection method: clinical testing. Allele origin: germline.
Comment: This variant, c.199_201del, results in the deletion of 1 amino acid(s) of the TNNI3 protein (p.Glu67del), but otherwise preserves the integrity of the reading frame. This variant is not present in population databases (gnomAD no frequency). This variant has not been reported in the literature in individuals affected with TNNI3-related conditions. In summary, the available evidence is currently insufficient to determine the role of this variant in disease. Therefore, it has been classified as a Variant of Uncertain Significance.

NM_000363.5(TNNI3):c.196GAG[1] (p.Glu67del)

Gene: TNNI3 (troponin I3, cardiac type; minus strand). Cytogenetic location: 19q13.42.
Variant type: Microsatellite.
Coding change: c.196GAG[1] on transcript NM_000363.5 (MANE Select); one copy of the 3-base unit GAG starting at c.196; the reference has two copies in a row; one copy, 3 bases deleted; also written c.199_201del.
Protein change: p.Glu67del; deletes glutamic acid 67.
Molecular consequence: inframe deletion. On other transcripts: inframe indel (1).
Genome position (GRCh38, 1-based): chr19:55,156,282-55,156,284, CTC deleted on the plus strand (GAG on the coding strand, the reverse complement: TNNI3 is on the minus strand); deleting any 3 consecutive bases within chr19:55,156,282-55,156,288 gives the same sequence; the position shown is the placement nearest the transcript's 3' end. VCF-style (leftmost placement, unchanged base first): chr19-55156281-GCTC-G. GRCh37 (hg19) VCF-style: chr19-55667649-GCTC-G.
Other names: c.195_197GGA[1], p.Glu67del (NM_000363.4); c.199_201del (NM_000363.4); short protein forms E67del.
Identifiers: ClinVar variation 2971016 (VCV002971016.4), dbSNP rs2515501716, ClinGen allele CA2587243858.
Genomic context (GRCh38, chr19:55,156,281, plus strand): 5'-GCCCGGCCAACTCCAGCGGCTGGCAGCGGGTGCTCAGAGCGCGCCCCTTCTCTCCGCGCC[GCTC>G]CTCCGCCTCTCGCTCCAGCTCTTGCTTTGCAATCTGCAGCAGCAGAGTCTGCAGAGGGGT-3'